The following is an entry in ClinVar:

ClinVar aggregate classification (germline): Uncertain significance (1 of 4 stars; one submission).

Conditions:
Birt-Hogg-Dube syndrome. Also called: Birt Hogg Dubé syndrome. Identifiers: Orphanet 122, MedGen C0346010, MONDO:0800444.

Submission:

Labcorp Genetics (formerly Invitae), Labcorp
Classification: Uncertain significance for Birt-Hogg-Dube syndrome. Last evaluated: 2024-04-22. Review status: criteria provided, single submitter. Criteria: Invitae Variant Classification Sherloc (09022015). Collection method: clinical testing. Allele origin: germline.
Comment: This sequence change falls in intron 5 of the FLCN gene. It does not directly change the encoded amino acid sequence of the FLCN protein. This variant is not present in population databases (gnomAD no frequency). This variant has not been reported in the literature in individuals affected with FLCN-related conditions. Algorithms developed to predict the effect of sequence changes on RNA splicing suggest that this variant may disrupt the consensus splice site. In summary, the available evidence is currently insufficient to determine the role of this variant in disease. Therefore, it has been classified as a Variant of Uncertain Significance.

NM_144997.7(FLCN):c.397-11T>G

Gene: FLCN (folliculin; minus strand). Cytogenetic location: 17p11.2.
Variant type: single nucleotide variant.
Coding change: c.397-11T>G on transcript NM_144997.7 (MANE Select); 11 bases into the intron before coding-DNA position 397, T replaced by G.
Molecular consequence: intron variant.
Genome position (GRCh38, 1-based): chr17:17,224,154, A>C on the plus strand (T>G on the coding strand, the complement: FLCN is on the minus strand). VCF-style: chr17-17224154-A-C. GRCh37 (hg19) VCF-style: chr17-17127468-A-C.
Other names: c.397-11T>G (NM_001353231.2, NM_001353230.2, NM_144606.7); c.451-11T>G (NM_001353229.2).
Identifiers: ClinVar variation 2914651 (VCV002914651.3), dbSNP rs2544259002, ClinGen allele CA2739267191.